The following is an entry in ClinVar:

ClinVar aggregate classification (germline): Benign. Review status: criteria provided, multiple submitters, no conflicts (2 of 4 stars). 2 submissions from 2 submitters: Benign (2). Last evaluated 2018-01-13.

Conditions:
Sorsby fundus dystrophy (SFD). Also called: MACULAR DYSTROPHY, HEMORRHAGIC; Sorsby fundus dystrophy, Lavia type; FUNDUS DYSTROPHY, PSEUDOINFLAMMATORY, OF SORSBY. Identifiers: Orphanet 59181, MedGen C1850938, MONDO:0007640, OMIM 136900.

Allele frequency attached by ClinVar (database versions not stated): 1000 Genomes Project 0.01338; 1000 Genomes Project 30x 0.01374; TOPMed 0.01608; gnomAD 0.01613 and 0.01666; gnomAD exomes 0.02570.
gnomAD v4.1: 2,573 of 152,716 alleles (1.7%); highest among the groups gnomAD compares: Middle Eastern, 3.7%; 31 homozygotes.

Submissions (2):

Illumina Laboratory Services, Illumina
Classification: Benign for Sorsby fundus dystrophy. Last evaluated: 2018-01-13. Review status: criteria provided, single submitter. Criteria: ICSL Variant Classification Criteria 13 December 2019. Collection method: clinical testing. Allele origin: germline.
Comment: This variant was observed in the ICSL laboratory as part of a predisposition screen in an ostensibly healthy population. It had not been previously curated by ICSL or reported in the Human Gene Mutation Database (HGMD: prior to June 1st, 2018), and was therefore a candidate for classification through an automated scoring system. Utilizing variant allele frequency, disease prevalence and penetrance estimates, and inheritance mode, an automated score was calculated to assess if this variant is too frequent to cause the disease. Based on the score and internal cut-off values, a variant classified as benign is not then subjected to further curation. The score for this variant resulted in a classification of benign for this disease.

Breakthrough Genomics
Classification: Benign. Review status: criteria provided, single submitter. Criteria: ACMG Guidelines, 2015. Collection method: not provided. Allele origin: germline. Inheritance: Autosomal dominant inheritance. Affected: yes.

NM_000362.5(TIMP3):c.*3413C>T

Genes: SYN3 (synapsin III; minus strand), TIMP3 (TIMP metallopeptidase inhibitor 3; plus strand). Cytogenetic location: 22q12.3.
Variant type: single nucleotide variant.
Coding change: c.*3413C>T on transcript NM_000362.5 (MANE Select); 3413 bases downstream of the stop codon, C replaced by T.
Molecular consequence: 3 prime UTR variant. On other transcripts: intron variant (7).
Genome position (GRCh38, 1-based): chr22:32,862,790, C>T. VCF-style: chr22-32862790-C-T. GRCh37 (hg19) VCF-style: chr22-33258777-C-T.
Other names: c.708+2125G>A (NM_001369909.1, NM_001135774.2, NM_001369910.1); c.711+2125G>A (NM_001369907.1, NM_003490.4, NM_001369908.1 and 1 more transcripts).
Identifiers: ClinVar variation 341408 (VCV000341408.6), dbSNP rs11287, ClinGen allele CA10645401.